The following is an entry in ClinVar:

ClinVar aggregate classification (germline): Uncertain significance. Review status: criteria provided, single submitter (1 of 4 stars). 2 submissions from 2 submitters: Uncertain significance (1). 1 of the submissions does not count toward it. Last evaluated 2021-09-01.

Conditions:
Methylmalonic aciduria and homocystinuria type cblD (MAHCD). Also called: Methylmalonic aciduria with homocystinuria cblD type; METHYLMALONIC ACIDEMIA, cblH TYPE. Identifiers: Orphanet 622, Orphanet 79283, MedGen C1848552, MONDO:0010185, OMIM 277410.

Allele frequency attached by ClinVar (database versions not stated): ExAC 0.00001; gnomAD 0.00001; gnomAD exomes 0.00001 and 0.00002; TOPMed 0.00001.

Submissions (2):

Labcorp Genetics (formerly Invitae), Labcorp
Classification: Uncertain significance for Methylmalonic aciduria and homocystinuria type cblD. Last evaluated: 2021-09-01. Review status: criteria provided, single submitter. Criteria: Invitae Variant Classification Sherloc (09022015). Collection method: clinical testing. Allele origin: germline.
Comment: This sequence change replaces isoleucine with threonine at codon 51 of the MMADHC protein (p.Ile51Thr). The isoleucine residue is highly conserved and there is a moderate physicochemical difference between isoleucine and threonine. This variant is present in population databases (rs755472574, ExAC 0.002%). This variant has not been reported in the literature in individuals affected with MMADHC-related conditions. Algorithms developed to predict the effect of missense changes on protein structure and function are either unavailable or do not agree on the potential impact of this missense change (SIFT: "Deleterious"; PolyPhen-2: "Benign"; Align-GVGD: "Class C0"). In summary, the available evidence is currently insufficient to determine the role of this variant in disease. Therefore, it has been classified as a Variant of Uncertain Significance.

Natera, Inc.
Classification: Uncertain significance for Methylmalonic aciduria with homocystinuria cblD type. Last evaluated: 2021-03-12. Review status: no assertion criteria provided. Collection method: clinical testing. Allele origin: germline. Not counted in ClinVar's aggregate classification.

NM_015702.3(MMADHC):c.152T>C (p.Ile51Thr)

Gene: MMADHC (metabolism of cobalamin associated D; minus strand). Cytogenetic location: 2q23.2.
Variant type: single nucleotide variant.
Coding change: c.152T>C on transcript NM_015702.3 (MANE Select); coding-DNA position 152, T replaced by C.
Protein change: p.Ile51Thr; replaces isoleucine 51 with threonine.
Molecular consequence: missense variant.
Genome position (GRCh38, 1-based): chr2:149,582,129, A>G on the plus strand (T>C on the coding strand, the complement: MMADHC is on the minus strand). VCF-style: chr2-149582129-A-G. GRCh37 (hg19) VCF-style: chr2-150438643-A-G.
Other names: short protein forms I51T.
Identifiers: ClinVar variation 1038306 (VCV001038306.6), dbSNP rs755472574, ClinGen allele CA1902491.